The following is an entry in ClinVar:

ClinVar aggregate classification (germline): Uncertain significance (1 of 4 stars; one submission).

Conditions:
Cardiovascular phenotype. Identifiers: MedGen CN230736.

Allele frequency attached by ClinVar (database versions not stated): gnomAD 0.00001.
gnomAD v4.1: 1 of 1,208,164 alleles (0.000083%); highest among the groups gnomAD compares: African/African-American, 0.0018%; no homozygotes.

Submission:

Ambry Genetics
Classification: Uncertain significance for Cardiovascular phenotype. Last evaluated: 2023-06-15. Review status: criteria provided, single submitter. Criteria: Ambry Variant Classification Scheme 2023. Collection method: clinical testing. Allele origin: germline.
Comment: The p.R1910K variant (also known as c.5729G>A), located in coding exon 40 of the DMD gene, results from a G to A substitution at nucleotide position 5729. The arginine at codon 1910 is replaced by lysine, an amino acid with highly similar properties. Based on data from gnomAD, the A allele has an overall frequency of 0.005% (1/21669) total alleles studied, with no hemizygote(s) observed. The highest observed frequency was 0.017% (1/5812) of African/African American alleles. This amino acid position is not well conserved in available vertebrate species. In addition, this alteration is predicted to be tolerated by in silico analysis. Since supporting evidence is limited at this time, the clinical significance of this alteration remains unclear.

NM_004006.3(DMD):c.5729G>A (p.Arg1910Lys)

Gene: DMD (dystrophin; minus strand). Cytogenetic location: Xp21.1.
Variant type: single nucleotide variant.
Coding change: c.5729G>A on transcript NM_004006.3 (MANE Select); coding-DNA position 5729, G replaced by A.
Protein change: p.Arg1910Lys; replaces arginine 1910 with lysine.
Molecular consequence: missense variant.
Genome position (GRCh38, 1-based): chrX:32,343,144, C>T on the plus strand (G>A on the coding strand, the complement: DMD is on the minus strand). VCF-style: chrX-32343144-C-T. GRCh37 (hg19) VCF-style: chrX-32361261-C-T.
Other names: c.5705G>A, p.Arg1902Lys (NM_000109.4); c.5717G>A, p.Arg1906Lys (NM_004009.3); c.5360G>A, p.Arg1787Lys (NM_004010.3); c.1706G>A, p.Arg569Lys (NM_004011.4); c.1697G>A, p.Arg566Lys (NM_004012.4); short protein forms R1902K, R1787K, R569K, R1906K, R1910K, R566K.
Identifiers: ClinVar variation 2565107 (VCV002565107.3), dbSNP rs1160873705, ClinGen allele CA412665571.